The following is an entry in ClinVar:

ClinVar aggregate classification (germline): Uncertain significance. Review status: criteria provided, multiple submitters, no conflicts (2 of 4 stars). 4 submissions from 2 submitters: Uncertain significance (4). Last evaluated 2021-02-01.

Conditions:
Desmin-related myofibrillar myopathy (MFM1). Also called: Desminopathy; Desmin related myopathy (former name); Desmin storage myopathy (former name); MYOFIBRILLAR MYOPATHY WITH ARRHYTHMOGENIC RIGHT VENTRICULAR CARDIOMYOPATHY; DESMIN-RELATED MYOPATHY WITH ARRHYTHMOGENIC RIGHT VENTRICULAR CARDIOMYOPATHY; Myofibrillar myopathy 1. Identifiers: Orphanet 363543, Orphanet 98909, MedGen C1832370, MONDO:0011076, OMIM 601419.
Neurogenic scapuloperoneal syndrome, Kaeser type (SCPNK). Also called: KAESER SYNDROME. Identifiers: Orphanet 85146, MedGen C1867005, MONDO:0008407, OMIM 181400.
Dilated cardiomyopathy 1I (CMD1I). Identifiers: Orphanet 154, MedGen C1858154, MONDO:0011482, OMIM 604765.

Allele frequency attached by ClinVar (database versions not stated): TOPMed below 0.00001; gnomAD exomes 0.00001 and 0.00003; ExAC 0.00002.

Submissions (4):

Women's Health and Genetics/Laboratory Corporation of America, LabCorp
Classification: Uncertain significance. Last evaluated: 2021-02-01. Review status: criteria provided, single submitter. Criteria: LabCorp Variant Classification Summary - May 2015. Collection method: clinical testing. Allele origin: germline.
Comment: Variant summary: DES c.-6G>A is located in the untranslated mRNA region upstream of the initiation codon. The variant allele was found at a frequency of 2.9e-05 in 206062 control chromosomes (gnomAD). The available data on variant occurrences in the general population are insufficient to allow any conclusion about variant significance. To our knowledge, no occurrence of c.-6G>A in individuals affected with Dilated Cardiomyopathy and no experimental evidence demonstrating its impact on protein function have been reported. A ClinVar submitter (evaluation after 2014) cites the variant as uncertain significance. Based on the evidence outlined above, the variant was classified as uncertain significance.

Illumina Laboratory Services, Illumina
Classification: Uncertain significance for Neurogenic scapuloperoneal syndrome, Kaeser type. Last evaluated: 2018-01-13. Review status: criteria provided, single submitter. Criteria: ICSL Variant Classification Criteria 13 December 2019. Collection method: clinical testing. Allele origin: germline.

Illumina Laboratory Services, Illumina
Classification: Uncertain significance for Myofibrillar myopathy 1. Last evaluated: 2018-01-13. Review status: criteria provided, single submitter. Criteria: ICSL Variant Classification Criteria 13 December 2019. Collection method: clinical testing. Allele origin: germline.

Illumina Laboratory Services, Illumina
Classification: Uncertain significance for Dilated cardiomyopathy 1I. Last evaluated: 2018-01-13. Review status: criteria provided, single submitter. Criteria: ICSL Variant Classification Criteria 13 December 2019. Collection method: clinical testing. Allele origin: germline.

NM_001927.4(DES):c.-6G>A

Gene: DES (desmin; plus strand). Cytogenetic location: 2q35.
Variant type: single nucleotide variant.
Coding change: c.-6G>A on transcript NM_001927.4 (MANE Select); 6 bases upstream of the start codon, G replaced by A.
Molecular consequence: 5 prime UTR variant.
Genome position (GRCh38, 1-based): chr2:219,418,457, G>A. VCF-style: chr2-219418457-G-A. GRCh37 (hg19) VCF-style: chr2-220283179-G-A.
Other names: c.-6G>A (LRG_380t1).
Identifiers: ClinVar variation 334450 (VCV000334450.8), dbSNP rs774967446, ClinGen allele CA2125001.